The following is an entry in ClinVar:

ClinVar aggregate classification (germline): Likely benign. Review status: criteria provided, single submitter (1 of 4 stars). 2 submissions from 2 submitters: Likely benign (1). 1 of the submissions does not count toward it. Last evaluated 2026-09-01.

Conditions:
MAP1B-related disorder. Also called: MAP1B-related condition.

Allele frequency attached by ClinVar (database versions not stated): gnomAD 0.00003; TOPMed 0.00006; ExAC 0.00014.
gnomAD v4.1: 103 of 1,614,092 alleles (0.0064%); highest among the groups gnomAD compares: South Asian, 0.031%; 2 homozygotes.

Submissions (2):

CeGaT Center for Human Genetics Tuebingen
Classification: Likely benign. Last evaluated: 2026-09-01. Review status: criteria provided, single submitter. Criteria: CeGaT Center For Human Genetics Tuebingen Variant Classification Criteria Version 2. Collection method: clinical testing. Allele origin: germline. Affected: yes. Observed: 2 variant alleles.
Comment: MAP1B: BP4, BP7

PreventionGenetics, part of Exact Sciences
Classification: Likely benign for MAP1B-related condition. Last evaluated: 2022-09-13. Review status: no assertion criteria provided. Collection method: clinical testing. Allele origin: germline. Not counted in ClinVar's aggregate classification.
Comment: This variant is classified as likely benign based on ACMG/AMP sequence variant interpretation guidelines (Richards et al. 2015 PMID: 25741868, with internal and published modifications).

NM_005909.5(MAP1B):c.6612C>T (p.Pro2204=)

Gene: MAP1B (microtubule associated protein 1B; plus strand). Cytogenetic location: 5q13.2.
Variant type: single nucleotide variant.
Coding change: c.6612C>T on transcript NM_005909.5 (MANE Select); coding-DNA position 6612, C replaced by T.
Protein change: p.Pro2204=; no amino-acid change (proline 2204 retained).
Molecular consequence: synonymous variant.
Genome position (GRCh38, 1-based): chr5:72,199,967, C>T. VCF-style: chr5-72199967-C-T. GRCh37 (hg19) VCF-style: chr5-71495794-C-T.
Other names: c.6234C>T, p.Pro2078= (NM_001324255.2).
Identifiers: ClinVar variation 3060398 (VCV003060398.8), dbSNP rs574061088, ClinGen allele CA3299503.